The following is an entry in ClinVar:

ClinVar aggregate classification (germline): Uncertain significance (1 of 4 stars; one submission).

Conditions:
Early-infantile DEE. Also called: Early infantile epileptic encephalopathy; Ohtahara syndrome; Early infantile epileptic encephalopathy with suppression bursts. Identifiers: Orphanet 1934, MedGen C0393706, MONDO:0800491.

gnomAD v4.1: 2 of 1,570,870 alleles (0.00013%); no homozygotes.

Submission:

Labcorp Genetics (formerly Invitae), Labcorp
Classification: Uncertain significance for Early-infantile DEE. Last evaluated: 2023-02-05. Review status: criteria provided, single submitter. Criteria: Invitae Variant Classification Sherloc (09022015). Collection method: clinical testing. Allele origin: germline.
Comment: In summary, the available evidence is currently insufficient to determine the role of this variant in disease. Therefore, it has been classified as a Variant of Uncertain Significance. Algorithms developed to predict the effect of sequence changes on RNA splicing suggest that this variant may disrupt the consensus splice site. This variant has not been reported in the literature in individuals affected with ARHGEF15-related conditions. This variant is not present in population databases (gnomAD no frequency). This sequence change affects an acceptor splice site in intron 2 of the ARHGEF15 gene. It is expected to disrupt RNA splicing. Variants that disrupt the donor or acceptor splice site typically lead to a loss of protein function (PMID: 16199547), however the current clinical and genetic evidence is not sufficient to establish whether loss-of-function variants in ARHGEF15 cause disease.

Literature cited by the submitters: PubMed 16199547.

NM_173728.4(ARHGEF15):c.602-2A>C

Gene: ARHGEF15 (Rho guanine nucleotide exchange factor 15; plus strand). Cytogenetic location: 17p13.1.
Variant type: single nucleotide variant.
Coding change: c.602-2A>C on transcript NM_173728.4 (MANE Select); the canonical splice acceptor site of the intron before coding-DNA position 602, A replaced by C.
Molecular consequence: splice acceptor variant.
Genome position (GRCh38, 1-based): chr17:8,312,920, A>C. VCF-style: chr17-8312920-A-C. GRCh37 (hg19) VCF-style: chr17-8216238-A-C.
Other names: c.602-2A>C (NM_025014.2).
Identifiers: ClinVar variation 3006830 (VCV003006830.3), dbSNP rs1015713671, ClinGen allele CA287568404.
Genomic context (GRCh38, chr17:8,312,920, plus strand): 5'-GTCTGGGCGGGGGTGGAGCTGGGCCCCAAGGGCTTTCTCCTTAGGCTACCTGTCTCCCAC[A>C]GATGCTGGCCTGGCCTGCCCTCCCTGCTGCCCCTGTGTCTGCCACACCACCCGGCCTGGC-3'